The following is an entry in ClinVar:

ClinVar aggregate classification (germline): Uncertain significance (1 of 4 stars; one submission).

Submission:

CeGaT Center for Human Genetics Tuebingen
Classification: Uncertain significance. Last evaluated: 2023-09-01. Review status: criteria provided, single submitter. Criteria: CeGaT Center For Human Genetics Tuebingen Variant Classification Criteria Version 2. Collection method: clinical testing. Allele origin: germline. Affected: yes. Observed: 1 variant allele.
Comment: SEMA4A: PM2, BP4

NM_022367.4(SEMA4A):c.1647T>G (p.Ser549Arg)

Gene: SEMA4A (semaphorin 4A; plus strand). Cytogenetic location: 1q22.
Variant type: single nucleotide variant.
Coding change: c.1647T>G on transcript NM_022367.4 (MANE Select); coding-DNA position 1647, T replaced by G.
Protein change: p.Ser549Arg; replaces serine 549 with arginine.
Molecular consequence: missense variant.
Genome position (GRCh38, 1-based): chr1:156,175,610, T>G. VCF-style: chr1-156175610-T-G. GRCh37 (hg19) VCF-style: chr1-156145401-T-G.
Other names: c.1647T>G, p.Ser549Arg (NM_001193300.2, NM_001193301.2, NM_001370567.1); c.1251T>G, p.Ser417Arg (NM_001193302.2); c.1350T>G, p.Ser450Arg (NM_001370568.1); c.1140T>G, p.Ser380Arg (NM_001370569.1, NM_001370571.1); short protein forms S380R, S417R, S450R, S549R.
Identifiers: ClinVar variation 2639449 (VCV002639449.24), dbSNP rs957356693, ClinGen allele CA342810016.